The following is an entry in ClinVar:

NM_015001.3(SPEN):c.7987G>C (p.Val2663Leu)

Gene: SPEN (spen family transcriptional repressor; plus strand). Cytogenetic location: 1p36.13.
Variant type: single nucleotide variant.
Coding change: c.7987G>C on transcript NM_015001.3 (MANE Select); coding-DNA position 7987, G replaced by C.
Protein change: p.Val2663Leu; replaces valine 2663 with leucine.
Molecular consequence: missense variant.
Genome position (GRCh38, 1-based): chr1:15,934,227, G>C. VCF-style: chr1-15934227-G-C. GRCh37 (hg19) VCF-style: chr1-16260722-G-C.
Other names: short protein forms V2663L.
Identifiers: ClinVar variation 3368437 (VCV003368437.1).

ClinVar aggregate classification (germline): Uncertain significance (1 of 4 stars; one submission).

Submission:

GeneDx
Classification: Uncertain significance. Last evaluated: 2024-02-02. Review status: criteria provided, single submitter. Criteria: GeneDx Variant Classification Process June 2021. Collection method: clinical testing. Allele origin: germline. Affected: yes.
Comment: Not observed at significant frequency in large population cohorts (gnomAD); In silico analysis supports that this missense variant does not alter protein structure/function; Has not been previously published as pathogenic or benign to our knowledge